The following is an entry in ClinVar:

ClinVar aggregate classification (germline): Likely pathogenic (1 of 4 stars; one submission).

Submission:

Genetic Services Laboratory, University of Chicago
Classification: Likely pathogenic. Last evaluated: 2020-12-29. Review status: criteria provided, single submitter. Criteria: ACMG Guidelines, 2015. Collection method: clinical testing. Allele origin: germline. Affected: yes.
Comment: The p.Asn802His change affects a highly conserved amino acid residue located in a sixth transmembrane domain of the CASR protein that is known to be functional (PMID: 2316969). The p.Asn802His substitution appears to be deleterious using several in-silico pathogenicity prediction tools (SIFT, PolyPhen2, REVEL). Functional studies of the mutant p.Asn802Ser showed impaired CASR function and its response to calcium was typical of an inactivating mutation. This sequence change is absent from the large population databases (ExAC and gnomAD). This sequence change is the likely cause of this patient's phenotype; however functional studies have not been performed to prove this conclusively.

NM_000388.4(CASR):c.2404A>C (p.Asn802His)

Gene: CASR (calcium sensing receptor; plus strand). Cytogenetic location: 3q21.1.
Variant type: single nucleotide variant.
Coding change: c.2404A>C on transcript NM_000388.4 (MANE Select); coding-DNA position 2404, A replaced by C.
Protein change: p.Asn802His; replaces asparagine 802 with histidine.
Molecular consequence: missense variant.
Genome position (GRCh38, 1-based): chr3:122,284,358, A>C. VCF-style: chr3-122284358-A-C. GRCh37 (hg19) VCF-style: chr3-122003205-A-C.
Other names: c.2434A>C, p.Asn812His (NM_001178065.2); short protein forms N802H, N812H.
Identifiers: ClinVar variation 1338619 (VCV001338619.4), dbSNP rs2074937924, ClinGen allele CA354159725.